The following is an entry in ClinVar:

NM_002693.3(POLG):c.1772T>G (p.Leu591Arg)

Gene: POLG (DNA polymerase gamma, catalytic subunit; minus strand). Cytogenetic location: 15q26.1.
Variant type: single nucleotide variant.
Coding change: c.1772T>G on transcript NM_002693.3 (MANE Select); coding-DNA position 1772, T replaced by G.
Protein change: p.Leu591Arg; replaces leucine 591 with arginine.
Molecular consequence: missense variant.
Genome position (GRCh38, 1-based): chr15:89,325,627, A>C on the plus strand (T>G on the coding strand, the complement: POLG is on the minus strand). VCF-style: chr15-89325627-A-C. GRCh37 (hg19) VCF-style: chr15-89868858-A-C.
Other names: c.1772T>G, p.Leu591Arg (NM_001126131.2); short protein forms L591R.
Identifiers: ClinVar variation 1042172 (VCV001042172.43), dbSNP rs756072588, ClinGen allele CA7724689.

ClinVar aggregate classification (germline): Uncertain significance. Review status: criteria provided, multiple submitters, no conflicts (2 of 4 stars). 3 submissions from 3 submitters: Uncertain significance (3). Last evaluated 2025-11-23.

Conditions:
Progressive sclerosing poliodystrophy (MTDPS4A). Also called: Alpers Syndrome; ALPERS PROGRESSIVE INFANTILE POLIODYSTROPHY; ALPERS DIFFUSE DEGENERATION OF CEREBRAL GRAY MATTER WITH HEPATIC CIRRHOSIS; Alpers-Huttenlocher Syndrome; Mitochondrial DNA depletion syndrome 4A (Alpers type); Mitochondrial DNA Depletion Syndrome 4A. Identifiers: Orphanet 726, MedGen C0205710, MONDO:0008758, OMIM 203700.

Allele frequency attached by ClinVar (database versions not stated): gnomAD exomes below 0.00001 and 0.00001; ExAC 0.00001; TOPMed 0.00001.
gnomAD v4.1: 10 of 1,613,324 alleles (0.00062%); highest among the groups gnomAD compares: Admixed American, 0.0017%; no homozygotes.

Submissions (3):

Labcorp Genetics (formerly Invitae), Labcorp
Classification: Uncertain significance for Progressive sclerosing poliodystrophy. Last evaluated: 2025-11-23. Review status: criteria provided, single submitter. Criteria: Invitae Variant Classification Sherloc (09022015). Collection method: clinical testing. Allele origin: germline.
Comment: This sequence change replaces leucine, which is neutral and non-polar, with arginine, which is basic and polar, at codon 591 of the POLG protein (p.Leu591Arg). This variant is present in population databases (rs756072588, gnomAD 0.0009%). This variant has not been reported in the literature in individuals affected with POLG-related conditions. ClinVar contains an entry for this variant (Variation ID: 1042172). Invitae Evidence Modeling of protein sequence and biophysical properties (such as structural, functional, and spatial information, amino acid conservation, physicochemical variation, residue mobility, and thermodynamic stability) indicates that this missense variant is expected to disrupt POLG protein function with a positive predictive value of 95%. In summary, the available evidence is currently insufficient to determine the role of this variant in disease. Therefore, it has been classified as a Variant of Uncertain Significance.

Blueprint Genetics
Classification: Uncertain significance. Last evaluated: 2024-06-28. Review status: criteria provided, single submitter. Criteria: ACMG Guidelines, 2015. Collection method: clinical testing. Allele origin: germline.

CeGaT Center for Human Genetics Tuebingen
Classification: Uncertain significance. Last evaluated: 2021-10-01. Review status: criteria provided, single submitter. Criteria: CeGaT Center For Human Genetics Tuebingen Variant Classification Criteria Version 2. Collection method: clinical testing. Allele origin: germline. Affected: yes. Observed: 1 variant allele.